The following is an entry in ClinVar:

ClinVar aggregate classification (germline): Uncertain significance. Review status: criteria provided, multiple submitters, no conflicts (2 of 4 stars). 2 submissions from 2 submitters: Uncertain significance (2). Last evaluated 2025-03-31.

Conditions:
Autoimmune lymphoproliferative syndrome type 2A (ALPS2A). Also called: CASP10-Related Autoimmune Lymphoproliferative Syndrome; AUTOIMMUNE LYMPHOPROLIFERATIVE SYNDROME, TYPE IIA; Autoimmune lymphoproliferative syndrome type 2. Identifiers: Orphanet 3261, MedGen C1858968, MONDO:0011383, OMIM 603909.

Allele frequency attached by ClinVar (database versions not stated): gnomAD 0.00001; gnomAD exomes 0.00001 and 0.00006; TOPMed 0.00005; ExAC 0.00007.

Submissions (2):

Labcorp Genetics (formerly Invitae), Labcorp
Classification: Uncertain significance for Autoimmune lymphoproliferative syndrome type 2A. Last evaluated: 2025-03-31. Review status: criteria provided, single submitter. Criteria: Invitae Variant Classification Sherloc (09022015). Collection method: clinical testing. Allele origin: germline.
Comment: This sequence change replaces proline, which is neutral and non-polar, with serine, which is neutral and polar, at codon 200 of the CASP10 protein (p.Pro200Ser). This variant is present in population databases (rs752039240, gnomAD 0.04%). This variant has not been reported in the literature in individuals affected with CASP10-related conditions. ClinVar contains an entry for this variant (Variation ID: 1497957). Invitae Evidence Modeling of protein sequence and biophysical properties (such as structural, functional, and spatial information, amino acid conservation, physicochemical variation, residue mobility, and thermodynamic stability) indicates that this missense variant is not expected to disrupt CASP10 protein function with a negative predictive value of 80%. In summary, the available evidence is currently insufficient to determine the role of this variant in disease. Therefore, it has been classified as a Variant of Uncertain Significance.

Ambry Genetics
Classification: Uncertain significance. Last evaluated: 2025-01-03. Review status: criteria provided, single submitter. Criteria: Ambry Variant Classification Scheme 2023. Collection method: clinical testing. Allele origin: germline.

NM_032977.4(CASP10):c.598C>T (p.Pro200Ser)

Gene: CASP10 (caspase 10; plus strand). Cytogenetic location: 2q33.1.
Variant type: single nucleotide variant.
Coding change: c.598C>T on transcript NM_032977.4 (MANE Select); coding-DNA position 598, C replaced by T.
Protein change: p.Pro200Ser; replaces proline 200 with serine.
Molecular consequence: missense variant.
Genome position (GRCh38, 1-based): chr2:201,195,862, C>T. VCF-style: chr2-201195862-C-T. GRCh37 (hg19) VCF-style: chr2-202060585-C-T.
Other names: c.598C>T (NM_032977.3); c.598C>T, p.Pro200Ser (NM_001206524.2, NM_001206542.2, NM_001230.5 and 3 more transcripts); short protein forms P200S.
Identifiers: ClinVar variation 1497957 (VCV001497957.10), dbSNP rs752039240, ClinGen allele CA2052923.